The following is an entry in ClinVar:

NM_024675.4(PALB2):c.2623A>G (p.Met875Val)

Gene: PALB2 (partner and localizer of BRCA2; minus strand). Cytogenetic location: 16p12.2.
Variant type: single nucleotide variant.
Coding change: c.2623A>G on transcript NM_024675.4 (MANE Select); coding-DNA position 2623, A replaced by G.
Protein change: p.Met875Val; replaces methionine 875 with valine.
Molecular consequence: missense variant.
Genome position (GRCh38, 1-based): chr16:23,626,361, T>C on the plus strand (A>G on the coding strand, the complement: PALB2 is on the minus strand). VCF-style: chr16-23626361-T-C. GRCh37 (hg19) VCF-style: chr16-23637682-T-C.
Other names: short protein forms M875V.
Identifiers: ClinVar variation 662060 (VCV000662060.14), dbSNP rs1060502750, ClinGen allele CA395122188.

ClinVar aggregate classification (germline): Uncertain significance. Review status: criteria provided, multiple submitters, no conflicts (2 of 4 stars). 4 submissions from 4 submitters: Uncertain significance (4). Last evaluated 2026-04-23.

Conditions:
Hereditary cancer-predisposing syndrome. Also called: Neoplastic Syndromes, Hereditary; Hereditary Cancer Syndrome; Hereditary neoplastic syndrome; Tumor predisposition. Identifiers: Orphanet 140162, MedGen C0027672, MeSH D009386, MONDO:0015356.
Familial cancer of breast. Also called: Hereditary breast cancer; hereditary breast carcinoma; BREAST CANCER, FAMILIAL. Identifiers: Orphanet 227535, MedGen C0346153, MONDO:0016419, OMIM 114480. Disease mechanism: loss of function.

Submissions (4):

Dasa
Classification: Uncertain significance. Last evaluated: 2026-04-23. Review status: criteria provided, single submitter. Criteria: DASA Assertion Criteria. Collection method: clinical testing. Allele origin: germline.
Comment: NM_024675.4(PALB2):c.2623A>G (p.Met875Val) is a missense variant that results in the substitution of methionine with valine. Functional evidence supports a deleterious effect on the gene or gene product. The variant is present at low frequency in population datasets. Based on the available data, this variant is classified as variant of uncertain significance.

Labcorp Genetics (formerly Invitae), Labcorp
Classification: Uncertain significance for Familial cancer of breast. Last evaluated: 2025-11-16. Review status: criteria provided, single submitter. Criteria: Invitae Variant Classification Sherloc (09022015). Collection method: clinical testing. Allele origin: germline.
Comment: This sequence change replaces methionine, which is neutral and non-polar, with valine, which is neutral and non-polar, at codon 875 of the PALB2 protein (p.Met875Val). This variant is not present in population databases (gnomAD no frequency). This variant has not been reported in the literature in individuals affected with PALB2-related conditions. ClinVar contains an entry for this variant (Variation ID: 662060). Invitae Evidence Modeling of protein sequence and biophysical properties (such as structural, functional, and spatial information, amino acid conservation, physicochemical variation, residue mobility, and thermodynamic stability) indicates that this missense variant is not expected to disrupt PALB2 protein function with a negative predictive value of 80%. In summary, the available evidence is currently insufficient to determine the role of this variant in disease. Therefore, it has been classified as a Variant of Uncertain Significance.

Ambry Genetics
Classification: Uncertain significance for Hereditary cancer-predisposing syndrome. Last evaluated: 2025-03-25. Review status: criteria provided, single submitter. Criteria: Ambry Variant Classification Scheme 2023. Collection method: clinical testing. Allele origin: germline.
Comment: The p.M875V variant (also known as c.2623A>G), located in coding exon 7 of the PALB2 gene, results from an A to G substitution at nucleotide position 2623. The methionine at codon 875 is replaced by valine, an amino acid with highly similar properties. This amino acid position is not well conserved in available vertebrate species. In addition, this alteration is predicted to be tolerated by in silico analysis. Since supporting evidence is limited at this time, the clinical significance of this alteration remains unclear.

Color Diagnostics, LLC DBA Color Health
Classification: Uncertain significance for Hereditary cancer-predisposing syndrome. Last evaluated: 2024-03-19. Review status: criteria provided, single submitter. Criteria: ACMG Guidelines, 2015. Collection method: clinical testing. Allele origin: germline.
Comment: This missense variant replaces methionine with valine at codon 875 of the PALB2 protein. Computational prediction suggests that this variant may not impact protein structure and function. To our knowledge, functional studies have not been reported for this variant. This variant has not been reported in individuals affected with PALB2-related disorders in the literature. This variant has not been identified in the general population by the Genome Aggregation Database (gnomAD). The available evidence is insufficient to determine the role of this variant in disease conclusively. Therefore, this variant is classified as a Variant of Uncertain Significance.